The following is an entry in ClinVar:

ClinVar aggregate classification (germline): Uncertain significance (1 of 4 stars; one submission).

Conditions:
Amyotrophic lateral sclerosis type 6. Also called: FUS-Related Amyotrophic Laterial Sclerosis; AMYOTROPHIC LATERAL SCLEROSIS 6 WITHOUT FRONTOTEMPORAL DEMENTIA; Amyotrophic lateral sclerosis 6, with or without frontotemporal dementia. Identifiers: Orphanet 275872, Orphanet 803, MedGen C2931786, MONDO:0011951, OMIM 608030.
Tremor, hereditary essential, 4 (ETM4). Identifiers: MedGen C3539195, MONDO:0013888, OMIM 614782.

Allele frequency attached by ClinVar (database versions not stated): gnomAD exomes 0.00001; ExAC 0.00002; ESP Exome Variant Server 0.00008.
gnomAD v4.1: 16 of 1,613,726 alleles (0.00099%); highest among the groups gnomAD compares: Non-Finnish European, 0.0013%; no homozygotes.

Submission:

Labcorp Genetics (formerly Invitae), Labcorp
Classification: Uncertain significance for Tremor, hereditary essential, 4; Amyotrophic lateral sclerosis type 6. Last evaluated: 2023-02-14. Review status: criteria provided, single submitter. Criteria: Invitae Variant Classification Sherloc (09022015). Collection method: clinical testing. Allele origin: germline.
Comment: This variant is present in population databases (rs370954028, gnomAD 0.003%). This sequence change replaces glycine, which is neutral and non-polar, with serine, which is neutral and polar, at codon 187 of the FUS protein (p.Gly187Ser). This missense change has been observed in individual(s) with amyotrophic lateral sclerosis (PMID: 20544928). Algorithms developed to predict the effect of missense changes on protein structure and function output the following: SIFT: "Tolerated"; PolyPhen-2: "Not Available"; Align-GVGD: "Class C0". The serine amino acid residue is found in multiple mammalian species, which suggests that this missense change does not adversely affect protein function. Experimental studies have shown that this missense change affects FUS function (PMID: 31630970). In summary, the available evidence is currently insufficient to determine the role of this variant in disease. Therefore, it has been classified as a Variant of Uncertain Significance.

Literature cited by the submitters: PubMed 20544928; PubMed 31630970.

NM_004960.4(FUS):c.559G>A (p.Gly187Ser)

Gene: FUS (FUS RNA binding protein; plus strand). Cytogenetic location: 16p11.2.
Variant type: single nucleotide variant.
Coding change: c.559G>A on transcript NM_004960.4 (MANE Select); coding-DNA position 559, G replaced by A.
Protein change: p.Gly187Ser; replaces glycine 187 with serine.
Molecular consequence: missense variant. On other transcripts: non-coding transcript variant (1).
Genome position (GRCh38, 1-based): chr16:31,184,974, G>A. VCF-style: chr16-31184974-G-A. GRCh37 (hg19) VCF-style: chr16-31196295-G-A.
Other names: c.556G>A, p.Gly186Ser (NM_001170634.1); c.547G>A, p.Gly183Ser (NM_001170937.1); short protein forms G186S, G183S, G187S.
Identifiers: ClinVar variation 2946465 (VCV002946465.3), dbSNP rs370954028, ClinGen allele CA8023710.